The following is an entry in ClinVar:

NM_001382567.1(STIM1):c.1894C>T (p.Pro632Ser)

Genes: STIM1 (stromal interaction molecule 1; plus strand), LOC124418421 (Sharpr-MPRA regulatory region 9588; plus strand). Cytogenetic location: 11p15.4.
Variant type: single nucleotide variant.
Coding change: c.1894C>T on transcript NM_001382567.1 (MANE Select); coding-DNA position 1894, C replaced by T.
Protein change: p.Pro632Ser; replaces proline 632 with serine.
Molecular consequence: missense variant. On other transcripts: 3 prime UTR variant (4), non-coding transcript variant (3).
Genome position (GRCh38, 1-based): chr11:4,091,541, C>T. VCF-style: chr11-4091541-C-T. GRCh37 (hg19) VCF-style: chr11-4112771-C-T.
Other names: c.2119C>T, p.Pro707Ser (NM_001277961.3); c.*215C>T (NM_001277962.2, NM_001382578.1, NM_001382579.1 and 1 more transcripts); c.1897C>T, p.Pro633Ser (NM_001382566.1); c.1822C>T, p.Pro608Ser (NM_001382568.1); c.1666C>T, p.Pro556Ser (NM_001382569.1); c.1573C>T, p.Pro525Ser (NM_001382570.1); c.1321C>T, p.Pro441Ser (NM_001382571.1); c.1579C>T, p.Pro527Ser (NM_001382575.1, NM_001382576.1, NM_001382577.1); and 2 more; short protein forms P525S, P556S, P632S, P707S, P527S, P438S, P441S, P601S.
Identifiers: ClinVar variation 950347 (VCV000950347.12), dbSNP rs200960094, ClinGen allele CA5830629.

ClinVar aggregate classification (germline): Uncertain significance. Review status: criteria provided, multiple submitters, no conflicts (2 of 4 stars). 2 submissions from 2 submitters: Uncertain significance (2). Last evaluated 2025-05-26.

Conditions:
Combined immunodeficiency due to STIM1 deficiency. Also called: IMMUNODEFICIENCY 10; STIM1 DEFICIENCY. Identifiers: Orphanet 169090, Orphanet 317430, MedGen C2748557, MONDO:0013008, OMIM 612783.
Myopathy with tubular aggregates (TAM). Also called: Tubular Aggregate Myopathy. Identifiers: Orphanet 2593, MedGen C0410207, MONDO:0008051.
Stormorken syndrome (STRMK). Also called: THROMBOCYTOPATHY, ASPLENIA, AND MIOSIS. Identifiers: Orphanet 3204, MedGen C1861451, MONDO:0008497, OMIM 185070.
Inborn genetic diseases. Identifiers: MedGen C0950123, MeSH D030342.

Allele frequency attached by ClinVar (database versions not stated): gnomAD 0.00002; gnomAD exomes 0.00002 and 0.00004; ExAC 0.00004; TOPMed 0.00004.
gnomAD v4.1: 35 of 1,614,060 alleles (0.0022%); highest among the groups gnomAD compares: Admixed American, 0.005%; no homozygotes.

Submissions (2):

Labcorp Genetics (formerly Invitae), Labcorp
Classification: Uncertain significance for Myopathy with tubular aggregates; Combined immunodeficiency due to STIM1 deficiency; Stormorken syndrome. Last evaluated: 2025-05-26. Review status: criteria provided, single submitter. Criteria: Invitae Variant Classification Sherloc (09022015). Collection method: clinical testing. Allele origin: germline.
Comment: This sequence change replaces proline, which is neutral and non-polar, with serine, which is neutral and polar, at codon 601 of the STIM1 protein (p.Pro601Ser). This variant is present in population databases (rs200960094, gnomAD 0.009%). This variant has not been reported in the literature in individuals affected with STIM1-related conditions. ClinVar contains an entry for this variant (Variation ID: 950347). Invitae Evidence Modeling of protein sequence and biophysical properties (such as structural, functional, and spatial information, amino acid conservation, physicochemical variation, residue mobility, and thermodynamic stability) indicates that this missense variant is not expected to disrupt STIM1 protein function with a negative predictive value of 95%. In summary, the available evidence is currently insufficient to determine the role of this variant in disease. Therefore, it has been classified as a Variant of Uncertain Significance.

Ambry Genetics
Classification: Uncertain significance for Inborn genetic diseases. Last evaluated: 2023-02-23. Review status: criteria provided, single submitter. Criteria: Ambry Variant Classification Scheme 2023. Collection method: clinical testing. Allele origin: germline.